The following is an entry in ClinVar:

ClinVar aggregate classification (germline): Conflicting classifications of pathogenicity. Review status: criteria provided, conflicting classifications (1 of 4 stars). 2 submissions from 2 submitters: Uncertain significance (1); Likely benign (1). Last evaluated 2025-03-01.

Submissions (2):

CeGaT Center for Human Genetics Tuebingen
Classification: Uncertain significance. Last evaluated: 2025-03-01. Review status: criteria provided, single submitter. Criteria: CeGaT Center For Human Genetics Tuebingen Variant Classification Criteria Version 2. Collection method: clinical testing. Allele origin: germline. Affected: yes. Observed: 1 variant allele.
Comment: MTOR: PM2, PS2:Moderate, BP4

Labcorp Genetics (formerly Invitae), Labcorp
Classification: Likely benign. Last evaluated: 2024-03-27. Review status: criteria provided, single submitter. Criteria: Invitae Variant Classification Sherloc (09022015). Collection method: clinical testing. Allele origin: germline.

NM_004958.4(MTOR):c.7367-7C>T

Gene: MTOR (mechanistic target of rapamycin kinase; minus strand). Cytogenetic location: 1p36.22.
Variant type: single nucleotide variant.
Coding change: c.7367-7C>T on transcript NM_004958.4 (MANE Select); 7 bases into the intron before coding-DNA position 7367, C replaced by T.
Molecular consequence: intron variant.
Genome position (GRCh38, 1-based): chr1:11,109,736, G>A on the plus strand (C>T on the coding strand, the complement: MTOR is on the minus strand). VCF-style: chr1-11109736-G-A. GRCh37 (hg19) VCF-style: chr1-11169793-G-A.
Other names: c.6119-7C>T (NM_001386501.1); c.7367-7C>T (NM_001386500.1).
Identifiers: ClinVar variation 3647795 (VCV003647795.9).